The following is an entry in ClinVar:

ClinVar aggregate classification (germline): Likely pathogenic. Review status: criteria provided, multiple submitters, no conflicts (2 of 4 stars). 2 submissions from 2 submitters: Likely pathogenic (2). Last evaluated 2025-05-30.

Conditions:
Intellectual developmental disorder, autosomal recessive 68. Also called: MENTAL RETARDATION, AUTOSOMAL RECESSIVE 68. Identifiers: MedGen C4749033, MONDO:0032665, OMIM 618302.

gnomAD v4.1: 4 of 1,608,460 alleles (0.00025%); highest among the groups gnomAD compares: East Asian, 0.0022%; no homozygotes.

Submissions (2):

Dasa
Classification: Likely pathogenic for Intellectual developmental disorder, autosomal recessive 68. Last evaluated: 2025-05-30. Review status: criteria provided, single submitter. Criteria: DASA Assertion Criteria. Collection method: clinical testing. Allele origin: germline.
Comment: NM_001136035.4(TRMT1):c.1534C>T (p.Arg512*) is a nonsense variant in TRMT1 predicted to introduce a premature termination codon and is predicted to result in an absent or altered protein product. Loss of function is an established disease mechanism for TRMT1-associated disorders. Also, this variant is rare in population databases. Based on the currently available evidence, this variant is classified as likely pathogenic.

Institute for Genomic Statistics and Bioinformatics, University Hospital Bonn
Classification: Likely pathogenic for Intellectual developmental disorder, autosomal recessive 68. Review status: criteria provided, single submitter. Criteria: ACMG Guidelines, 2015. Collection method: clinical testing. Allele origin: germline. Inheritance: Autosomal recessive inheritance. Affected: yes. Observed: 1 variant allele, 1 homozygote.
Comment: ACMG classification: PVS1, PM2

NM_001136035.4(TRMT1):c.1534C>T (p.Arg512Ter)

Gene: TRMT1 (tRNA methyltransferase 1; minus strand). Cytogenetic location: 19p13.13.
Variant type: single nucleotide variant.
Coding change: c.1534C>T on transcript NM_001136035.4 (MANE Select); coding-DNA position 1534, C replaced by T.
Protein change: p.Arg512Ter; replaces arginine 512 with a stop codon.
Molecular consequence: nonsense.
Genome position (GRCh38, 1-based): chr19:13,107,623, G>A on the plus strand (C>T on the coding strand, the complement: TRMT1 is on the minus strand). VCF-style: chr19-13107623-G-A. GRCh37 (hg19) VCF-style: chr19-13218437-G-A.
Other names: c.1447C>T, p.Arg483Ter (NM_001142554.3, NM_001351760.2); c.1426C>T, p.Arg476Ter (NM_001351761.2); c.751C>T, p.Arg251Ter (NM_001351762.2); c.1534C>T, p.Arg512Ter (NM_017722.5); short protein forms R251*, R476*, R483*, R512*.
Identifiers: ClinVar variation 997949 (VCV000997949.4), dbSNP rs751298016, ClinGen allele CA404308596.
Genomic context (GRCh38, chr19:13,107,623, plus strand): 5'-CTTGCCCCTACCTGGGCTCCACACTGAGAATGCGGAACGCTGGGCTAGTCTCTGATAGTC[G>A]CTCCCGTTTCACCGGACATTCCTTCTCCTGGGGGCAGAGGTCAGAGGTTAGGGAATACTA-3'